The following is an entry in ClinVar:

NM_182972.3(IRF2BP2):c.1273A>G (p.Met425Val)

Gene: IRF2BP2 (interferon regulatory factor 2 binding protein 2; minus strand). Cytogenetic location: 1q42.3.
Variant type: single nucleotide variant.
Coding change: c.1273A>G on transcript NM_182972.3 (MANE Select); coding-DNA position 1273, A replaced by G.
Protein change: p.Met425Val; replaces methionine 425 with valine.
Molecular consequence: missense variant.
Genome position (GRCh38, 1-based): chr1:234,607,628, T>C on the plus strand (A>G on the coding strand, the complement: IRF2BP2 is on the minus strand). VCF-style: chr1-234607628-T-C. GRCh37 (hg19) VCF-style: chr1-234743374-T-C.
Other names: c.1225A>G, p.Met409Val (NM_001077397.1); short protein forms M409V, M425V.
Identifiers: ClinVar variation 1501022 (VCV001501022.6), dbSNP rs2102768443, ClinGen allele CA345306535.

ClinVar aggregate classification (germline): Uncertain significance (1 of 4 stars; one submission).

Allele frequency attached by ClinVar (database versions not stated): gnomAD exomes below 0.00001.

Submission:

Labcorp Genetics (formerly Invitae), Labcorp
Classification: Uncertain significance. Last evaluated: 2023-08-04. Review status: criteria provided, single submitter. Criteria: Invitae Variant Classification Sherloc (09022015). Collection method: clinical testing. Allele origin: germline.
Comment: This variant has not been reported in the literature in individuals affected with IRF2BP2-related conditions. This variant is not present in population databases (gnomAD no frequency). This sequence change replaces methionine, which is neutral and non-polar, with valine, which is neutral and non-polar, at codon 425 of the IRF2BP2 protein (p.Met425Val). In summary, the available evidence is currently insufficient to determine the role of this variant in disease. Therefore, it has been classified as a Variant of Uncertain Significance. An algorithm developed to predict the effect of missense changes on protein structure and function (PolyPhen-2) suggests that this variant is likely to be tolerated. ClinVar contains an entry for this variant (Variation ID: 1501022).